The following is an entry in ClinVar:

ClinVar aggregate classification (germline): Benign/Likely benign. Review status: criteria provided, multiple submitters, no conflicts (2 of 4 stars). 2 submissions from 2 submitters: Benign (1); Likely benign (1). Last evaluated 2025-06-16.

Conditions:
Bethlem myopathy 1A. Also called: MYOPATHY, BENIGN CONGENITAL, WITH CONTRACTURES; Bethlem myopathy 1; Bethlem Muscular Dystrophy. Identifiers: Orphanet 610, MedGen CN029274, MONDO:0024530, OMIM 158810.

Submissions (2):

Labcorp Genetics (formerly Invitae), Labcorp
Classification: Benign for Bethlem myopathy 1A. Last evaluated: 2025-06-16. Review status: criteria provided, single submitter. Criteria: Invitae Variant Classification Sherloc (09022015). Collection method: clinical testing. Allele origin: germline.

GeneDx
Classification: Likely benign. Last evaluated: 2018-03-06. Review status: criteria provided, single submitter. Criteria: GeneDx Variant Classification (06012015). Collection method: clinical testing. Allele origin: germline. Affected: yes.
Comment: This variant is considered likely benign or benign based on one or more of the following criteria: it is a conservative change, it occurs at a poorly conserved position in the protein, it is predicted to be benign by multiple in silico algorithms, and/or has population frequency not consistent with disease.

NM_004369.4(COL6A3):c.710-20dup

Gene: COL6A3 (collagen type VI alpha 3 chain; minus strand). Cytogenetic location: 2q37.3.
Variant type: Duplication.
Coding change: c.710-20dup on transcript NM_004369.4 (MANE Select); 20 bases into the intron before coding-DNA position 710, one base duplicated (T; older notation c.710-20dupT).
Molecular consequence: intron variant.
Genome position (GRCh38, 1-based): chr2:237,388,204, A duplicated on the plus strand (T on the coding strand, the reverse complement: COL6A3 is on the minus strand); the first of 6 consecutive A bases (chr2:237,388,204-237,388,209); duplicating any one gives the same sequence. VCF-style (leftmost placement, unchanged base first): chr2-237388203-C-CA. GRCh37 (hg19) VCF-style: chr2-238296846-C-CA.
Other names: c.710-20dupT (NM_004369.3); c.92-6705dup (NM_057166.5, NM_057164.5); c.92-20dup (NM_057167.4, NM_057165.5).
Identifiers: ClinVar variation 510706 (VCV000510706.9), dbSNP rs759721812, ClinGen allele CA2189795.